The following is an entry in ClinVar:

NM_001972.4(ELANE):c.3G>A (p.Met1Ile)

Gene: ELANE (elastase, neutrophil expressed; plus strand). Cytogenetic location: 19p13.3.
Variant type: single nucleotide variant.
Coding change: c.3G>A on transcript NM_001972.4 (MANE Select); coding-DNA position 3, G replaced by A.
Protein change: p.Met1Ile; changes the start codon (methionine 1).
Molecular consequence: missense variant, initiator codon variant.
Genome position (GRCh38, 1-based): chr19:852,331, G>A. VCF-style: chr19-852331-G-A. GRCh37 (hg19) VCF-style: chr19-852331-G-A.
Other names: short protein forms M1I.
Identifiers: ClinVar variation 3778313 (VCV003778313.8).

ClinVar aggregate classification (germline): Pathogenic/Likely pathogenic. Review status: criteria provided, multiple submitters, no conflicts (2 of 4 stars). 2 submissions from 2 submitters: Pathogenic (1); Likely pathogenic (1). Last evaluated 2026-01-17.

Conditions:
Neutropenia, severe congenital, 1, autosomal dominant. Identifiers: MedGen C1859966, MONDO:0042490, OMIM 202700.
Cyclical neutropenia. Also called: Cyclic hematopoiesis; Cyclic Neutropenia. Identifiers: Orphanet 2686, MedGen C0221023, MONDO:0008090, OMIM 162800, HP:0040289. Disease mechanism: loss of function.

Submissions (2):

Labcorp Genetics (formerly Invitae), Labcorp
Classification: Pathogenic for Neutropenia, severe congenital, 1, autosomal dominant; Cyclical neutropenia. Last evaluated: 2026-01-17. Review status: criteria provided, single submitter. Criteria: Invitae Variant Classification Sherloc (09022015). Collection method: clinical testing. Allele origin: germline.
Comment: This sequence change affects the initiator codon of the ELANE mRNA. This change may impact translation initiation or efficiency. The next in-frame methionine is located at codon 44. This variant is not present in population databases (gnomAD no frequency). Disruption of the initiator codon has been observed in individual(s) with severe congenital neutropenia (PMID: 21618407, 23463630, 24184683, 29076228). In at least one individual the variant was observed to be de novo. It has also been observed to segregate with disease in related individuals. ClinVar contains an entry for this variant (Variation ID: 3778313). For these reasons, this variant has been classified as Pathogenic.

CeGaT Center for Human Genetics Tuebingen
Classification: Likely pathogenic. Last evaluated: 2025-03-01. Review status: criteria provided, single submitter. Criteria: CeGaT Center For Human Genetics Tuebingen Variant Classification Criteria Version 2. Collection method: clinical testing. Allele origin: germline. Affected: yes. Observed: 1 variant allele.
Comment: ELANE: PM2, PS1:Moderate, PS4:Moderate, PVS1:Moderate

Literature cited by the submitters: PubMed 21618407 (cited by Labcorp Genetics (formerly Invitae), Labcorp); PubMed 23463630 (cited by Labcorp Genetics (formerly Invitae), Labcorp); PubMed 24184683 (cited by Labcorp Genetics (formerly Invitae), Labcorp); PubMed 29076228 (cited by Labcorp Genetics (formerly Invitae), Labcorp).